The following is an entry in ClinVar:

NM_001374736.1(DST):c.13697A>G (p.Glu4566Gly)

Gene: DST (dystonin; minus strand). Cytogenetic location: 6p12.1.
Variant type: single nucleotide variant.
Coding change: c.13697A>G on transcript NM_001374736.1 (MANE Select); coding-DNA position 13697, A replaced by G.
Protein change: p.Glu4566Gly; replaces glutamic acid 4566 with glycine.
Molecular consequence: missense variant.
Genome position (GRCh38, 1-based): chr6:56,572,124, T>C on the plus strand (A>G on the coding strand, the complement: DST is on the minus strand). VCF-style: chr6-56572124-T-C. GRCh37 (hg19) VCF-style: chr6-56436922-T-C.
Other names: c.7340A>G, p.Glu2447Gly (NM_001144769.5); c.6926A>G, p.Glu2309Gly (NM_001144770.2); c.13697A>G, p.Glu4566Gly (NM_001374722.1); c.13064A>G, p.Glu4355Gly (NM_001374729.1); c.6806A>G, p.Glu2269Gly (NM_001374730.1, NM_001386100.1, NM_183380.4); c.13724A>G, p.Glu4575Gly (NM_001374734.1); c.5828A>G, p.Glu1943Gly (NM_015548.5); short protein forms E4355G, E2269G, E2447G, E1943G, E2309G, E4566G, E4575G.
Identifiers: ClinVar variation 2163489 (VCV002163489.4), dbSNP rs2535744170, ClinGen allele CA364526158.

ClinVar aggregate classification (germline): Uncertain significance (1 of 4 stars; one submission).

Conditions:
Epidermolysis bullosa simplex 3, localized or generalized intermediate, with BP230 deficiency (EBS3). Also called: Epidermolysis bullosa simplex, autosomal recessive 2; Epidermolysis bullosa simplex due to BP230 deficiency. Identifiers: Orphanet 412181, MedGen C3809470, MONDO:0014180, OMIM 615425.
Hereditary sensory and autonomic neuropathy type 6. Also called: Neuropathy, hereditary sensory and autonomic, type VI; HSAN VI. Identifiers: Orphanet 314381, MedGen C3539003, MONDO:0013839, OMIM 614653.

Submission:

Labcorp Genetics (formerly Invitae), Labcorp
Classification: Uncertain significance for Epidermolysis bullosa simplex 3, localized or generalized intermediate, with BP230 deficiency; Hereditary sensory and autonomic neuropathy type 6. Last evaluated: 2022-04-28. Review status: criteria provided, single submitter. Criteria: Invitae Variant Classification Sherloc (09022015). Collection method: clinical testing. Allele origin: germline.
Comment: In summary, the available evidence is currently insufficient to determine the role of this variant in disease. Therefore, it has been classified as a Variant of Uncertain Significance. Experimental studies and prediction algorithms are not available or were not evaluated, and the functional significance of this variant is currently unknown. This variant has not been reported in the literature in individuals affected with DST-related conditions. This variant is not present in population databases (gnomAD no frequency). This sequence change replaces glutamic acid, which is acidic and polar, with glycine, which is neutral and non-polar, at codon 1943 of the DST protein (p.Glu1943Gly). The DST gene has multiple clinically relevant transcripts. This variant occurs in alternate transcript NM_015548.4, and corresponds to NM_001723.5:c.*43393A>G in the primary transcript.